The following is an entry in ClinVar:

ClinVar aggregate classification (germline): Uncertain significance. Review status: criteria provided, multiple submitters, no conflicts (2 of 4 stars). 2 submissions from 2 submitters: Uncertain significance (2). Last evaluated 2025-09-01.

Conditions:
Neurodegeneration with brain iron accumulation 6 (NBIA6). Also called: COASY protein-associated neurodegeneration. Identifiers: Orphanet 397725, MedGen C4517377, MONDO:0014290, OMIM 615643.

Allele frequency attached by ClinVar (database versions not stated): ExAC 0.00001; gnomAD 0.00002; TOPMed 0.00003; ESP Exome Variant Server 0.00015.

Submissions (2):

Ambry Genetics
Classification: Uncertain significance. Last evaluated: 2025-09-01. Review status: criteria provided, single submitter. Criteria: Ambry Variant Classification Scheme 2023. Collection method: clinical testing. Allele origin: germline.

Labcorp Genetics (formerly Invitae), Labcorp
Classification: Uncertain significance for Neurodegeneration with brain iron accumulation 6. Last evaluated: 2022-06-14. Review status: criteria provided, single submitter. Criteria: Invitae Variant Classification Sherloc (09022015). Collection method: clinical testing. Allele origin: germline.
Comment: In summary, the available evidence is currently insufficient to determine the role of this variant in disease. Therefore, it has been classified as a Variant of Uncertain Significance. Algorithms developed to predict the effect of missense changes on protein structure and function are either unavailable or do not agree on the potential impact of this missense change (SIFT: "Tolerated"; PolyPhen-2: "Probably Damaging"; Align-GVGD: "Class C0"). This variant has not been reported in the literature in individuals affected with COASY-related conditions. This variant is present in population databases (rs374206406, gnomAD 0.002%). This sequence change replaces alanine, which is neutral and non-polar, with glycine, which is neutral and non-polar, at codon 75 of the COASY protein (p.Ala75Gly).

NM_025233.7(COASY):c.224C>G (p.Ala75Gly)

Gene: COASY (Coenzyme A synthase; plus strand). Cytogenetic location: 17q21.2.
Variant type: single nucleotide variant.
Coding change: c.224C>G on transcript NM_025233.7 (MANE Select); coding-DNA position 224, C replaced by G.
Protein change: p.Ala75Gly; replaces alanine 75 with glycine.
Molecular consequence: missense variant.
Genome position (GRCh38, 1-based): chr17:42,562,846, C>G. VCF-style: chr17-42562846-C-G. GRCh37 (hg19) VCF-style: chr17-40714864-C-G.
Other names: c.224C>G, p.Ala75Gly (NM_001042529.3); c.311C>G, p.Ala104Gly (NM_001042532.4); short protein forms A75G, A104G.
Identifiers: ClinVar variation 1973533 (VCV001973533.6), dbSNP rs374206406, ClinGen allele CA8577946.
Genomic context (GRCh38, chr17:42,562,846, plus strand): 5'-CCAGCCCCGTGCAGGCCACGTTTGAGGTTCTTGATTTCATCACGCACCTCTATGCTGGCG[C>G]CGACGTCCACAGGCACTTGGACGTCAGAATCCTACTGACCAATATCCGAACCAAGAGCAC-3'
Protein context (NP_079509.5, residues 65-85): LDFITHLYAG[Ala75Gly]DVHRHLDVRI